The following is an entry in ClinVar:

ClinVar aggregate classification (germline): Likely benign. Review status: criteria provided, single submitter (1 of 4 stars). 2 submissions from 2 submitters: Likely benign (1). 1 of the submissions does not count toward it. Last evaluated 2026-01-11.

Conditions:
GABBR2-related disorder. Also called: GABBR2-related condition; GABBR2-related disorders.
Epileptic encephalopathy. Identifiers: MedGen C0543888, HP:0200134.

Allele frequency attached by ClinVar (database versions not stated): ExAC 0.00001; gnomAD 0.00001; gnomAD exomes 0.00001 and 0.00002; 1000 Genomes Project 30x 0.00016; 1000 Genomes Project 0.00020.
gnomAD v4.1: 28 of 1,603,304 alleles (0.0017%); highest among the groups gnomAD compares: Middle Eastern, 0.017%; no homozygotes.

Submissions (2):

Labcorp Genetics (formerly Invitae), Labcorp
Classification: Likely benign for Epileptic encephalopathy. Last evaluated: 2026-01-11. Review status: criteria provided, single submitter. Criteria: Invitae Variant Classification Sherloc (09022015). Collection method: clinical testing. Allele origin: germline.

PreventionGenetics, part of Exact Sciences
Classification: Likely benign for GABBR2-related condition. Last evaluated: 2019-06-11. Review status: no assertion criteria provided. Collection method: clinical testing. Allele origin: germline. Not counted in ClinVar's aggregate classification.
Comment: This variant is classified as likely benign based on ACMG/AMP sequence variant interpretation guidelines (Richards et al. 2015 PMID: 25741868, with internal and published modifications).

NM_005458.8(GABBR2):c.2229+9G>A

Gene: GABBR2 (gamma-aminobutyric acid type B receptor subunit 2; minus strand). Cytogenetic location: 9q22.33.
Variant type: single nucleotide variant.
Coding change: c.2229+9G>A on transcript NM_005458.8 (MANE Select); 9 bases into the intron after coding-DNA position 2229, G replaced by A.
Molecular consequence: intron variant.
Genome position (GRCh38, 1-based): chr9:98,306,112, C>T on the plus strand (G>A on the coding strand, the complement: GABBR2 is on the minus strand). VCF-style: chr9-98306112-C-T. GRCh37 (hg19) VCF-style: chr9-101068394-C-T.
Other names: c.2229+9G>A (NM_005458.7).
Identifiers: ClinVar variation 1117485 (VCV001117485.11), dbSNP rs539015155, ClinGen allele CA5152516.